The following is an entry in ClinVar:

ClinVar aggregate classification (germline): Uncertain significance (1 of 4 stars; one submission).

Conditions:
Gastrointestinal stromal tumor. Also called: Gastrointestinal stroma tumor; Gastrointestinal stromal tumor, somatic. Identifiers: Orphanet 44890, MedGen C0238198, MeSH D046152, MONDO:0011719, OMIM 606764, HP:0100723.

Allele frequency attached by ClinVar (database versions not stated): TOPMed below 0.00001.

Submission:

Labcorp Genetics (formerly Invitae), Labcorp
Classification: Uncertain significance for Gastrointestinal stromal tumor. Last evaluated: 2021-03-09. Review status: criteria provided, single submitter. Criteria: Invitae Variant Classification Sherloc (09022015). Collection method: clinical testing. Allele origin: germline.
Comment: This variant is not present in population databases (ExAC no frequency). This sequence change replaces tyrosine with aspartic acid at codon 568 of the KIT protein (p.Tyr568Asp). The tyrosine residue is highly conserved and there is a large physicochemical difference between tyrosine and aspartic acid. This variant has not been reported in the literature in individuals with KIT-related conditions. Algorithms developed to predict the effect of missense changes on protein structure and function (SIFT, PolyPhen-2, Align-GVGD) all suggest that this variant is likely to be disruptive, but these predictions have not been confirmed by published functional studies and their clinical significance is uncertain. In summary, the available evidence is currently insufficient to determine the role of this variant in disease. Therefore, it has been classified as a Variant of Uncertain Significance.

NM_000222.3(KIT):c.1702T>G (p.Tyr568Asp)

Gene: KIT (KIT proto-oncogene, receptor tyrosine kinase; plus strand). Cytogenetic location: 4q12.
Variant type: single nucleotide variant.
Coding change: c.1702T>G on transcript NM_000222.3 (MANE Select); coding-DNA position 1702, T replaced by G.
Protein change: p.Tyr568Asp; replaces tyrosine 568 with aspartic acid.
Molecular consequence: missense variant.
Genome position (GRCh38, 1-based): chr4:54,727,470, T>G. VCF-style: chr4-54727470-T-G. GRCh37 (hg19) VCF-style: chr4-55593636-T-G.
Other names: c.1690T>G, p.Tyr564Asp (NM_001093772.2, NM_001385286.1); c.1705T>G, p.Tyr569Asp (NM_001385284.1, NM_001385290.1); c.1702T>G, p.Tyr568Asp (NM_001385285.1); c.1693T>G, p.Tyr565Asp (NM_001385288.1, NM_001385292.1); short protein forms Y568D, Y569D, Y565D, Y564D.
Identifiers: ClinVar variation 1413287 (VCV001413287.8), dbSNP rs1722310323, ClinGen allele CA356907524.